The following is an entry in ClinVar:

ClinVar aggregate classification (germline): Uncertain significance. Review status: criteria provided, multiple submitters, no conflicts (2 of 4 stars). 2 submissions from 2 submitters: Uncertain significance (2). Last evaluated 2023-12-15.

Allele frequency attached by ClinVar (database versions not stated): gnomAD exomes below 0.00001 and 0.00001; ExAC 0.00001.
gnomAD v4.1: 8 of 1,608,566 alleles (0.0005%); highest among the groups gnomAD compares: Non-Finnish European, 0.00059%; no homozygotes.

Submissions (2):

Blueprint Genetics
Classification: Uncertain significance. Last evaluated: 2023-12-15. Review status: criteria provided, single submitter. Criteria: ACMG Guidelines, 2015. Collection method: clinical testing. Allele origin: germline.

GeneDx
Classification: Uncertain significance. Last evaluated: 2014-05-06. Review status: criteria provided, single submitter. Criteria: GeneDx Variant Classification (06012015). Collection method: clinical testing. Allele origin: germline. Affected: yes.
Comment: Missense variants in the TTN gene are considered 'unclassified' if they are not previously reported in the literature and do not have >1% frequency in the population to be considered a polymorphism. Research indicates that truncating mutations in the TTN gene are expected to account for approximately 25% of familial and 18% of sporadic idiopathic DCM; however, truncating variants in the TTN gene have been reported in approximately 3% of reported control alleles. There has been little investigation into non-truncating variants. (Herman D et al. Truncations of titin causing dilated cardiomyopathy. N Eng J Med 366:619-628, 2012) The variant is found in CARDIOMYOPATHY panel(s).

NM_001267550.2(TTN):c.57686G>A (p.Arg19229Lys)

Genes: TTN (titin; minus strand), TTN-AS1 (TTN antisense RNA 1; plus strand). Cytogenetic location: 2q31.2.
Variant type: single nucleotide variant.
Coding change: c.57686G>A on transcript NM_001267550.2 (MANE Select); coding-DNA position 57686, G replaced by A.
Protein change: p.Arg19229Lys; replaces arginine 19229 with lysine.
Molecular consequence: missense variant.
Genome position (GRCh38, 1-based): chr2:178,595,668, C>T on the plus strand (G>A on the coding strand, the complement: TTN is on the minus strand). VCF-style: chr2-178595668-C-T. GRCh37 (hg19) VCF-style: chr2-179460395-C-T.
Other names: p.R17588K:AGA>AAA; c.52763G>A, p.Arg17588Lys (NM_001256850.1); c.30491G>A, p.Arg10164Lys (NM_003319.4); c.49982G>A, p.Arg16661Lys (NM_133378.4); c.30866G>A, p.Arg10289Lys (NM_133432.3); c.31067G>A, p.Arg10356Lys (NM_133437.4); short protein forms R17588K, R19229K, R10164K, R10356K, R16661K, R10289K.
Identifiers: ClinVar variation 202732 (VCV000202732.3), dbSNP rs778237029, ClinGen allele CA310116.